The following is an entry in ClinVar:

ClinVar aggregate classification (germline): Uncertain significance (1 of 4 stars; one submission).

Submission:

CeGaT Center for Human Genetics Tuebingen
Classification: Uncertain significance. Last evaluated: 2025-06-01. Review status: criteria provided, single submitter. Criteria: CeGaT Center For Human Genetics Tuebingen Variant Classification Criteria Version 2. Collection method: clinical testing. Allele origin: germline. Affected: yes. Observed: 1 variant allele.
Comment: CDH2: PM2

NM_001792.5(CDH2):c.979A>G (p.Thr327Ala)

Gene: CDH2 (cadherin 2; minus strand). Cytogenetic location: 18q12.1.
Variant type: single nucleotide variant.
Coding change: c.979A>G on transcript NM_001792.5 (MANE Select); coding-DNA position 979, A replaced by G.
Protein change: p.Thr327Ala; replaces threonine 327 with alanine.
Molecular consequence: missense variant.
Genome position (GRCh38, 1-based): chr18:28,003,038, T>C on the plus strand (A>G on the coding strand, the complement: CDH2 is on the minus strand). VCF-style: chr18-28003038-T-C. GRCh37 (hg19) VCF-style: chr18-25583002-T-C.
Other names: c.886A>G, p.Thr296Ala (NM_001308176.2); short protein forms T296A, T327A.
Identifiers: ClinVar variation 4085231 (VCV004085231.8).
Genomic context (GRCh38, chr18:28,003,038, plus strand): 5'-GAGTTTTTGGTTGGCTTACTTCTCGATCAAGTCCAGCTGCCACTGTGATGATGTCACCAG[T>C]CTCATTGTTGATTGTAAACATGTTGGGTGAAGGGGTGCTTGGAGCCTGAGACACGATTCT-3'
Protein context (NP_001783.2, residues 317-337): SPNMFTINNE[Thr327Ala]GDIITVAAGL